The following is an entry in ClinVar:

NM_001127222.2(CACNA1A):c.5755G>A (p.Asp1919Asn)

Gene: CACNA1A (calcium voltage-gated channel subunit alpha1 A; minus strand). Cytogenetic location: 19p13.13.
Variant type: single nucleotide variant.
Coding change: c.5755G>A on transcript NM_001127222.2 (MANE Select); coding-DNA position 5755, G replaced by A.
Protein change: p.Asp1919Asn; replaces aspartic acid 1919 with asparagine.
Molecular consequence: missense variant.
Genome position (GRCh38, 1-based): chr19:13,214,585, C>T on the plus strand (G>A on the coding strand, the complement: CACNA1A is on the minus strand). VCF-style: chr19-13214585-C-T. GRCh37 (hg19) VCF-style: chr19-13325399-C-T.
Other names: c.5773G>A, p.Asp1925Asn (NM_000068.4, NM_023035.3); c.5758G>A, p.Asp1920Asn (NM_001127221.2); c.5764G>A, p.Asp1922Asn (NM_001174080.2); short protein forms D1920N, D1925N, D1922N, D1919N.
Identifiers: ClinVar variation 420373 (VCV000420373.13), dbSNP rs1064794441, ClinGen allele CA16620775.
Genomic context (GRCh38, chr19:13,214,585, plus strand): 5'-CTAGCGTCTTCTGGGACAGATTGGGCCAAATCGCCATCATCTCCTTCCGCAGCTCAGCGT[C>T]CATCTGCTGTTTGTCGGCTCCTCCTGCAATGGGGGTGTAGACAGACCCTGACTGCCTGCC-3'
Protein context (NP_001120694.1, residues 1909-1929): AKGGADKQQM[Asp1919Asn]AELRKEMMAI

ClinVar aggregate classification (germline): Uncertain significance. Review status: criteria provided, multiple submitters, no conflicts (2 of 4 stars). 2 submissions from 2 submitters: Uncertain significance (2). Last evaluated 2023-06-08.

Conditions:
Episodic ataxia type 2 (EA2). Also called: ATAXIA, EPISODIC, WITH NYSTAGMUS; ATAXIA, FAMILIAL PAROXYSMAL; CEREBELLAR ATAXIA, PAROXYSMAL, ACETAZOLAMIDE-RESPONSIVE; CEREBELLOPATHY, HEREDITARY PAROXYSMAL; EPISODIC ATAXIA, NYSTAGMUS-ASSOCIATED; ACETAZOLAMIDE-RESPONSIVE HEREDITARY PAROXYSMAL CEREBELLAR ATAXIA. Identifiers: Orphanet 97, MedGen C1720416, MONDO:0007163, OMIM 108500.
Developmental and epileptic encephalopathy, 42 (DEE42A). Also called: Epileptic encephalopathy, early infantile, 42; DEVELOPMENTAL AND EPILEPTIC ENCEPHALOPATHY 42A; EPILEPTIC ENCEPHALOPATHY, EARLY INFANTILE, 42A. Identifiers: MedGen C4310716, MONDO:0014917, OMIM 617106.

Allele frequency attached by ClinVar (database versions not stated): TOPMed 0.00001.

Submissions (2):

GeneDx
Classification: Uncertain significance. Last evaluated: 2023-06-08. Review status: criteria provided, single submitter. Criteria: GeneDx Variant Classification Process June 2021. Collection method: clinical testing. Allele origin: germline. Affected: yes.
Comment: Not observed in large population cohorts (gnomAD); In silico analysis, which includes protein predictors and evolutionary conservation, supports a deleterious effect; Has not been previously published as pathogenic or benign to our knowledge

Labcorp Genetics (formerly Invitae), Labcorp
Classification: Uncertain significance for Developmental and epileptic encephalopathy, 42; Episodic ataxia type 2. Last evaluated: 2023-01-24. Review status: criteria provided, single submitter. Criteria: Invitae Variant Classification Sherloc (09022015). Collection method: clinical testing. Allele origin: germline.
Comment: This sequence change replaces aspartic acid, which is acidic and polar, with asparagine, which is neutral and polar, at codon 1920 of the CACNA1A protein (p.Asp1920Asn). This variant is not present in population databases (gnomAD no frequency). This variant has not been reported in the literature in individuals affected with CACNA1A-related conditions. ClinVar contains an entry for this variant (Variation ID: 420373). Advanced modeling of protein sequence and biophysical properties (such as structural, functional, and spatial information, amino acid conservation, physicochemical variation, residue mobility, and thermodynamic stability) performed at Invitae indicates that this missense variant is not expected to disrupt CACNA1A protein function. In summary, the available evidence is currently insufficient to determine the role of this variant in disease. Therefore, it has been classified as a Variant of Uncertain Significance.